The following is an entry in ClinVar:

ClinVar aggregate classification (germline): Uncertain significance (1 of 4 stars; one submission).

Conditions:
Cystic fibrosis (CF). Also called: MUCOVISCIDOSIS. Identifiers: Orphanet 586, MedGen C0010674, MONDO:0009061, OMIM 219700. Disease mechanism: loss of function.

Submission:

Ambry Genetics
Classification: Uncertain significance for Cystic fibrosis. Last evaluated: 2023-05-14. Review status: criteria provided, single submitter. Criteria: Ambry Variant Classification Scheme 2023. Collection method: clinical testing. Allele origin: germline.
Comment: The p.A196G variant (also known as c.587C>G), located in coding exon 6 of the CFTR gene, results from a C to G substitution at nucleotide position 587. The alanine at codon 196 is replaced by glycine, an amino acid with similar properties. This amino acid position is conserved. In addition, the in silico prediction for this alteration is inconclusive. Since supporting evidence is limited at this time, the clinical significance of this alteration remains unclear.

NM_000492.4(CFTR):c.587C>G (p.Ala196Gly)

Gene: CFTR (CF transmembrane conductance regulator; plus strand). Cytogenetic location: 7q31.2.
Variant type: single nucleotide variant.
Coding change: c.587C>G on transcript NM_000492.4 (MANE Select); coding-DNA position 587, C replaced by G.
Protein change: p.Ala196Gly; replaces alanine 196 with glycine.
Molecular consequence: missense variant.
Genome position (GRCh38, 1-based): chr7:117,535,255, C>G. VCF-style: chr7-117535255-C-G. GRCh37 (hg19) VCF-style: chr7-117175309-C-G.
Other names: short protein forms A196G.
Identifiers: ClinVar variation 2562529 (VCV002562529.2), dbSNP rs1204822296, ClinGen allele CA368976721.